The following is an entry in ClinVar:

ClinVar aggregate classification (germline): Likely benign. Review status: criteria provided, multiple submitters, no conflicts (2 of 4 stars). 2 submissions from 2 submitters: Likely benign (2). Last evaluated 2022-11-01.

Submissions (2):

Labcorp Genetics (formerly Invitae), Labcorp
Classification: Likely benign. Last evaluated: 2022-11-01. Review status: criteria provided, single submitter. Criteria: Invitae Variant Classification Sherloc (09022015). Collection method: clinical testing. Allele origin: germline.

GeneDx
Classification: Likely benign. Last evaluated: 2017-04-25. Review status: criteria provided, single submitter. Criteria: GeneDx Variant Classification (06012015). Collection method: clinical testing. Allele origin: germline. Affected: yes.
Comment: This variant is considered likely benign or benign based on one or more of the following criteria: it is a conservative change, it occurs at a poorly conserved position in the protein, it is predicted to be benign by multiple in silico algorithms, and/or has population frequency not consistent with disease.

NM_001830.4(CLCN4):c.1390-6_1390-4del

Gene: CLCN4 (Cl-/H+ antiporter 4; plus strand). Cytogenetic location: Xp22.2.
Variant type: Microsatellite.
Coding change: c.1390-6_1390-4del on transcript NM_001830.4 (MANE Select); 6 bases into the intron before coding-DNA position 1390 through 4 bases into the intron before coding-DNA position 1390, 3 bases deleted (CTC; older notation c.1390-6_1390-4delCTC).
Molecular consequence: intron variant.
Genome position (GRCh38, 1-based): chrX:10,212,461-10,212,463, CTC deleted; deleting any 3 consecutive bases within chrX:10,212,458-10,212,463 gives the same sequence; the c. name uses the placement nearest the transcript's 3' end. VCF-style (leftmost placement, unchanged base first): chrX-10212457-TCTC-T. GRCh37 (hg19) VCF-style: chrX-10180497-TCTC-T.
Other names: c.1108-6_1108-4del (NM_001256944.2); c.1390-6_1390-4delCTC (NM_001830.3).
Identifiers: ClinVar variation 508860 (VCV000508860.5), dbSNP rs1555976914, ClinGen allele CA640857702.
Genomic context (GRCh38, chrX:10,212,457, plus strand): 5'-TTTCTTGGGGGTCGTGAAGCGGGGACTTGGTCTTTTTCCCTCATGTTGCTTTTCTCTGTG[TCTC>T]CTCAAGATCCCGTCGGGCCTCTTCATCCCCAGCATGGCTGTGGGCGCGATAGCGGGCAGG-3'